The following is an entry in ClinVar:

NM_012082.4(ZFPM2):c.423G>T (p.Lys141Asn)

Gene: ZFPM2 (zinc finger protein, FOG family member 2; plus strand). Cytogenetic location: 8q23.1.
Variant type: single nucleotide variant.
Coding change: c.423G>T on transcript NM_012082.4 (MANE Select); coding-DNA position 423, G replaced by T.
Protein change: p.Lys141Asn; replaces lysine 141 with asparagine.
Molecular consequence: missense variant.
Genome position (GRCh38, 1-based): chr8:105,634,248, G>T. VCF-style: chr8-105634248-G-T. GRCh37 (hg19) VCF-style: chr8-106646476-G-T.
Other names: c.264G>T, p.Lys88Asn (NM_001362836.2); c.27G>T, p.Lys9Asn (NM_001362837.2); short protein forms K141N, K88N, K9N.
Identifiers: ClinVar variation 2502493 (VCV002502493.1), dbSNP rs1167230345, ClinGen allele CA372026349.
Genomic context (GRCh38, chr8:105,634,248, plus strand): 5'-TTCAAGTTTTTAATCAACGGAAGCAAATGGCATCTGTTTGTTATCATTCTTTCTACAGAA[G>T]ACAAAGGCTCAGGTCCCAATGGTGCTGACTGCTGGTCCCAAGTGGTTGCTGGATGTGACT-3'
Protein context (NP_036214.2, residues 131-151): GKMDLNNNSL[Lys141Asn]TKAQVPMVLT

ClinVar aggregate classification (germline): Uncertain significance (1 of 4 stars; one submission).

Allele frequency attached by ClinVar (database versions not stated): gnomAD 0.00001; TOPMed 0.00001.
gnomAD v4.1: 1 of 1,610,594 alleles (0.000062%); highest among the groups gnomAD compares: African/African-American, 0.0013%; no homozygotes.

Submission:

GeneDx
Classification: Uncertain significance. Last evaluated: 2022-11-18. Review status: criteria provided, single submitter. Criteria: GeneDx Variant Classification Process June 2021. Collection method: clinical testing. Allele origin: germline. Affected: yes.
Comment: Not observed at significant frequency in large population cohorts (gnomAD); In silico analysis supports that this missense variant has a deleterious effect on protein structure/function; Has not been previously published as pathogenic or benign to our knowledge